The following is an entry in ClinVar:

ClinVar aggregate classification (germline): Uncertain significance. Review status: criteria provided, multiple submitters, no conflicts (2 of 4 stars). 2 submissions from 2 submitters: Uncertain significance (2). Last evaluated 2024-01-14.

Conditions:
Inborn genetic diseases. Identifiers: MedGen C0950123, MeSH D030342.

Submissions (2):

Ambry Genetics
Classification: Uncertain significance for Inborn genetic diseases. Last evaluated: 2024-01-14. Review status: criteria provided, single submitter. Criteria: Ambry Variant Classification Scheme 2023. Collection method: clinical testing. Allele origin: germline.
Comment: The p.S670N variant (also known as c.2009G>A), located in coding exon 9 of the ATR gene, results from a G to A substitution at nucleotide position 2009. The serine at codon 670 is replaced by asparagine, an amino acid with highly similar properties. This amino acid position is conserved. In addition, this alteration is predicted to be tolerated by in silico analysis. Since supporting evidence is limited at this time, the clinical significance of this alteration remains unclear.

ARUP Laboratories, Molecular Genetics and Genomics, ARUP Laboratories
Classification: Uncertain significance. Last evaluated: 2022-04-05. Review status: criteria provided, single submitter. Criteria: ARUP Molecular Germline Variant Investigation Process 2021. Collection method: clinical testing. Allele origin: germline.
Comment: The ATR c.2009G>A; p.Ser670Asn variant, to our knowledge, is not reported in the medical literature or gene specific databases. This variant is also absent from the Genome Aggregation Database, indicating it is not a common polymorphism. The serine at codon 670 is moderately conserved but computational analyses predict that this variant is neutral (REVEL: 0.032). Due to limited information, the clinical significance of the p.Ser670Asn variant is uncertain at this time.

NM_001184.4(ATR):c.2009G>A (p.Ser670Asn)

Gene: ATR (ATR checkpoint kinase; minus strand). Cytogenetic location: 3q23.
Variant type: single nucleotide variant.
Coding change: c.2009G>A on transcript NM_001184.4 (MANE Select); coding-DNA position 2009, G replaced by A.
Protein change: p.Ser670Asn; replaces serine 670 with asparagine.
Molecular consequence: missense variant.
Genome position (GRCh38, 1-based): chr3:142,556,452, C>T on the plus strand (G>A on the coding strand, the complement: ATR is on the minus strand). VCF-style: chr3-142556452-C-T. GRCh37 (hg19) VCF-style: chr3-142275294-C-T.
Other names: c.1817G>A, p.Ser606Asn (NM_001354579.2); c.2009G>A (NM_001184.3); short protein forms S606N, S670N.
Identifiers: ClinVar variation 2428555 (VCV002428555.4), dbSNP rs2473398470, ClinGen allele CA354819221.